The following is an entry in ClinVar:

NM_005159.5(ACTC1):c.1064A>G (p.Gln355Arg)

Genes: ACTC1 (actin alpha cardiac muscle 1; minus strand), GJD2-DT (GJD2 divergent transcript; plus strand). Cytogenetic location: 15q14.
Variant type: single nucleotide variant.
Coding change: c.1064A>G on transcript NM_005159.5 (MANE Select); coding-DNA position 1064, A replaced by G.
Protein change: p.Gln355Arg; replaces glutamine 355 with arginine.
Molecular consequence: missense variant.
Genome position (GRCh38, 1-based): chr15:34,790,482, T>C on the plus strand (A>G on the coding strand, the complement: ACTC1 is on the minus strand). VCF-style: chr15-34790482-T-C. GRCh37 (hg19) VCF-style: chr15-35082683-T-C.
Other names: c.1064A>G, p.Gln355Arg (NM_001406482.1, NM_001406483.1); c.929A>G, p.Gln310Arg (NM_001406484.1); c.623A>G, p.Gln208Arg (NM_001406485.1); short protein forms Q310R, Q355R, Q208R.
Identifiers: ClinVar variation 4782630 (VCV004782630.1).

ClinVar aggregate classification (germline): Uncertain significance (1 of 4 stars; one submission).

Conditions:
Dilated cardiomyopathy 1R (CMD1R). Identifiers: Orphanet 154, Orphanet 54260, MedGen C3150681, MONDO:0013261, OMIM 613424.
Atrial septal defect 5 (ASD5). Identifiers: Orphanet 1478, MedGen C2748552, MONDO:0013011, OMIM 612794.
Hypertrophic cardiomyopathy 11. Also called: ACTC1-Related Familial Hypertrophic Cardiomyopathy. Identifiers: MedGen C2677506, MONDO:0012799, OMIM 612098.

Submission:

Labcorp Genetics (formerly Invitae), Labcorp
Classification: Uncertain significance for Dilated cardiomyopathy 1R; Hypertrophic cardiomyopathy 11; Atrial septal defect 5. Last evaluated: 2025-07-27. Review status: criteria provided, single submitter. Criteria: Invitae Variant Classification Sherloc (09022015). Collection method: clinical testing. Allele origin: germline.
Comment: This sequence change replaces glutamine, which is neutral and polar, with arginine, which is basic and polar, at codon 355 of the ACTC1 protein (p.Gln355Arg). This variant is not present in population databases (gnomAD no frequency). This variant has not been reported in the literature in individuals affected with ACTC1-related conditions. Invitae Evidence Modeling of protein sequence and biophysical properties (such as structural, functional, and spatial information, amino acid conservation, physicochemical variation, residue mobility, and thermodynamic stability) indicates that this missense variant is not expected to disrupt ACTC1 protein function with a negative predictive value of 80%. In summary, the available evidence is currently insufficient to determine the role of this variant in disease. Therefore, it has been classified as a Variant of Uncertain Significance.